The following is an entry in ClinVar:

ClinVar aggregate classification (germline): Uncertain significance. Review status: criteria provided, multiple submitters, no conflicts (2 of 4 stars). 2 submissions from 2 submitters: Uncertain significance (2). Last evaluated 2023-08-10.

Conditions:
Hereditary cancer-predisposing syndrome. Also called: Neoplastic Syndromes, Hereditary; Hereditary Cancer Syndrome; Tumor predisposition; Hereditary neoplastic syndrome. Identifiers: Orphanet 140162, MedGen C0027672, MeSH D009386, MONDO:0015356.

Submissions (2):

GeneDx
Classification: Uncertain significance. Last evaluated: 2023-08-10. Review status: criteria provided, single submitter. Criteria: GeneDx Variant Classification Process June 2021. Collection method: clinical testing. Allele origin: germline. Affected: yes.
Comment: Not observed at significant frequency in large population cohorts (gnomAD); In silico analysis supports that this missense variant has a deleterious effect on protein structure/function; Has not been previously published as pathogenic or benign to our knowledge

Ambry Genetics
Classification: Uncertain significance for Hereditary cancer-predisposing syndrome. Last evaluated: 2023-01-13. Review status: criteria provided, single submitter. Criteria: Ambry Variant Classification Scheme 2023. Collection method: clinical testing. Allele origin: germline.
Comment: The p.N38Y variant (also known as c.112A>T), located in coding exon 3 of the SMARCE1 gene, results from an A to T substitution at nucleotide position 112. The asparagine at codon 38 is replaced by tyrosine, an amino acid with dissimilar properties. This amino acid position is highly conserved in available vertebrate species. In addition, this alteration is predicted to be deleterious by in silico analysis. Missense and in-frame variants in SMARCE1 are known to cause neurodevelopmental disorders; however, such associations with increased risk of meningiomas are exceedingly rare (Kosho T et al. Am J Med Genet C Semin Med Genet. 2014 Sep;166C(3):262-75; Smith JM et al. Nat Genet. 2013 Mar;45(3):295-8). Since supporting evidence is limited at this time, the clinical significance of this alteration remains unclear.

NM_003079.5(SMARCE1):c.112A>T (p.Asn38Tyr)

Gene: SMARCE1 (SWI/SNF related BAF chromatin remodeling complex subunit E1; minus strand). Cytogenetic location: 17q21.2.
Variant type: single nucleotide variant.
Coding change: c.112A>T on transcript NM_003079.5 (MANE Select); coding-DNA position 112, A replaced by T.
Protein change: p.Asn38Tyr; replaces asparagine 38 with tyrosine.
Molecular consequence: missense variant.
Genome position (GRCh38, 1-based): chr17:40,642,499, T>A on the plus strand (A>T on the coding strand, the complement: SMARCE1 is on the minus strand). VCF-style: chr17-40642499-T-A. GRCh37 (hg19) VCF-style: chr17-38798751-T-A.
Other names: short protein forms N38Y.
Identifiers: ClinVar variation 2449566 (VCV002449566.3), dbSNP rs2508613527, ClinGen allele CA399369753.
Genomic context (GRCh38, chr17:40,642,499, plus strand): 5'-TAGTTGATTCTCCTACCGTGACCCGGCTGTTGGTGCCCGGGTTCCCTCCCAGCCTGTAGT[T>A]GTTGTAGGCGAGATGACTGTATGGATTGTATCCCACAAACCCTGGTGTGCTGGGCATTTG-3'
Protein context (NP_003070.3, residues 28-48): YNPYSHLAYN[Asn38Tyr]YRLGGNPGTN